The following is an entry in ClinVar:

NM_000548.5(TSC2):c.3224C>G (p.Thr1075Ser)

Gene: TSC2 (TSC complex subunit 2; plus strand). Cytogenetic location: 16p13.3.
Variant type: single nucleotide variant.
Coding change: c.3224C>G on transcript NM_000548.5 (MANE Select); coding-DNA position 3224, C replaced by G.
Protein change: p.Thr1075Ser; replaces threonine 1075 with serine.
Molecular consequence: missense variant. On other transcripts: non-coding transcript variant (5).
Genome position (GRCh38, 1-based): chr16:2,079,368, C>G. VCF-style: chr16-2079368-C-G. GRCh37 (hg19) VCF-style: chr16-2129369-C-G.
Other names: c.3092C>G, p.Thr1031Ser (NM_001077183.3, NM_001370404.1, NM_001406665.1); c.3224C>G, p.Thr1075Ser (NM_001114382.3); c.2984C>G, p.Thr995Ser (NM_001318827.2); c.2948C>G, p.Thr983Ser (NM_001318829.2); c.2492C>G, p.Thr831Ser (NM_001318831.2, NM_001406687.1, NM_001406688.1); c.3125C>G, p.Thr1042Ser (NM_001318832.2); c.3095C>G, p.Thr1032Ser (NM_001363528.2, NM_021055.3, NM_001370405.1); c.3077C>G, p.Thr1026Ser (NM_001406675.1); and 18 more; short protein forms T1032S, T1042S, T1062S, T1075S, T584S, T982S, T994S, T1038S.
Identifiers: ClinVar variation 4842405 (VCV004842405.1).

ClinVar aggregate classification (germline): Uncertain significance (1 of 4 stars; one submission).

Conditions:
Hereditary cancer-predisposing syndrome. Also called: Neoplastic Syndromes, Hereditary; Tumor predisposition; Hereditary Cancer Syndrome; Hereditary neoplastic syndrome. Identifiers: Orphanet 140162, MedGen C0027672, MeSH D009386, MONDO:0015356.

Submission:

Ambry Genetics
Classification: Uncertain significance for Hereditary cancer-predisposing syndrome. Last evaluated: 2025-12-21. Review status: criteria provided, single submitter. Criteria: Ambry Variant Classification Scheme 2023. Collection method: clinical testing. Allele origin: germline.
Comment: The p.T1075S variant (also known as c.3224C>G), located in coding exon 27 of the TSC2 gene, results from a C to G substitution at nucleotide position 3224. The threonine at codon 1075 is replaced by serine, an amino acid with similar properties. This amino acid position is conserved. In addition, the in silico prediction for this alteration is inconclusive. Based on the available evidence, the clinical significance of this variant remains unclear.